The following is an entry in ClinVar:

ClinVar aggregate classification (germline): Uncertain significance (1 of 4 stars; one submission).

Submission:

Labcorp Genetics (formerly Invitae), Labcorp
Classification: Uncertain significance. Last evaluated: 2021-09-22. Review status: criteria provided, single submitter. Criteria: Invitae Variant Classification Sherloc (09022015). Collection method: clinical testing. Allele origin: germline.
Comment: This sequence change replaces glycine with alanine at codon 1282 of the ADGRA3 protein (p.Gly1282Ala). The glycine residue is highly conserved and there is a small physicochemical difference between glycine and alanine. This variant is present in population databases (rs149299752, ExAC 0.02%). This variant has not been reported in the literature in individuals affected with ADGRA3-related conditions. Algorithms developed to predict the effect of missense changes on protein structure and function are either unavailable or do not agree on the potential impact of this missense change (SIFT: "Tolerated"; PolyPhen-2: "Probably Damaging"; Align-GVGD: "Class C0"). In summary, the available evidence is currently insufficient to determine the role of this variant in disease. Therefore, it has been classified as a Variant of Uncertain Significance.

NM_145290.4(ADGRA3):c.3845G>C (p.Gly1282Ala)

Gene: ADGRA3 (adhesion G protein-coupled receptor A3; minus strand). Cytogenetic location: 4p15.2.
Variant type: single nucleotide variant.
Coding change: c.3845G>C on transcript NM_145290.4 (MANE Select); coding-DNA position 3845, G replaced by C.
Protein change: p.Gly1282Ala; replaces glycine 1282 with alanine.
Molecular consequence: missense variant.
Genome position (GRCh38, 1-based): chr4:22,387,826, C>G on the plus strand (G>C on the coding strand, the complement: ADGRA3 is on the minus strand). VCF-style: chr4-22387826-C-G. GRCh37 (hg19) VCF-style: chr4-22389449-C-G.
Other names: short protein forms G1282A.
Identifiers: ClinVar variation 1358060 (VCV001358060.6), dbSNP rs149299752, ClinGen allele CA2873283.
Genomic context (GRCh38, chr4:22,387,826, plus strand): 5'-AGCAAGGGTCCCTCCTGCCCATTGCTTTTAATTGGTCCATTCTGAATGGCCAAGTTGAGG[C>G]CATAAGATTTTTGCTGATTTTCAAGTTCAACCACAGCTGGCTTCCTTAACGCATCTTTTT-3'
Protein context (NP_660333.2, residues 1272-1292): VELENQQKSY[Gly1282Ala]LNLAIQNGPI